The following is an entry in ClinVar:

ClinVar aggregate classification (germline): Likely benign. Review status: criteria provided, multiple submitters, no conflicts (2 of 4 stars). 3 submissions from 3 submitters: Likely benign (2). 1 of the submissions does not count toward it. Last evaluated 2025-12-16.

Conditions:
NPHP4-related disorder. Also called: NPHP4-related condition; NPHP4-related disorders. Identifiers: MedGen CN239384.
Nephronophthisis. Also called: Juvenile Nephronophthisis. Identifiers: Orphanet 655, MedGen C0687120, MONDO:0019005, HP:0000090.

Allele frequency attached by ClinVar (database versions not stated): gnomAD exomes 0.00002 and 0.00004; TOPMed 0.00002; gnomAD 0.00003 and 0.00004; ExAC 0.00004.
gnomAD v4.1: 27 of 1,595,648 alleles (0.0017%); highest among the groups gnomAD compares: East Asian, 0.0023%; no homozygotes.

Submissions (3):

Labcorp Genetics (formerly Invitae), Labcorp
Classification: Likely benign for Nephronophthisis. Last evaluated: 2025-12-16. Review status: criteria provided, single submitter. Criteria: Invitae Variant Classification Sherloc (09022015). Collection method: clinical testing. Allele origin: germline.

Blueprint Genetics
Classification: Likely benign. Last evaluated: 2024-10-22. Review status: criteria provided, single submitter. Criteria: ACMG Guidelines, 2015. Collection method: clinical testing. Allele origin: germline.

PreventionGenetics, part of Exact Sciences
Classification: Likely benign for NPHP4-related condition. Last evaluated: 2022-06-07. Review status: no assertion criteria provided. Collection method: clinical testing. Allele origin: germline. Not counted in ClinVar's aggregate classification.
Comment: This variant is classified as likely benign based on ACMG/AMP sequence variant interpretation guidelines (Richards et al. 2015 PMID: 25741868, with internal and published modifications).

NM_015102.5(NPHP4):c.674-8T>G

Gene: NPHP4 (nephrocystin 4; minus strand). Cytogenetic location: 1p36.31.
Variant type: single nucleotide variant.
Coding change: c.674-8T>G on transcript NM_015102.5 (MANE Select); 8 bases into the intron before coding-DNA position 674, T replaced by G.
Molecular consequence: intron variant.
Genome position (GRCh38, 1-based): chr1:5,952,844, A>C on the plus strand (T>G on the coding strand, the complement: NPHP4 is on the minus strand). VCF-style: chr1-5952844-A-C. GRCh37 (hg19) VCF-style: chr1-6012904-A-C.
Other names: c.674-8T>G (NM_015102.4); c.-693-8T>G (NM_001291594.2); c.-556-4593T>G (NM_001291593.2).
Identifiers: ClinVar variation 1056291 (VCV001056291.12), dbSNP rs772596216, ClinGen allele CA554757.
Genomic context (GRCh38, chr1:5,952,844, plus strand): 5'-ATCCAAGTGCCCCGTGATGGGCTTCTGGAGGCGAGGCTTTCGGAGAGCGTCGCCTGAAAC[A>C]GTGAGGGTGCGAAAAGGGTCATCCTTGGGAATAAAACACCCACTGGCAGCCACCGAGGGT-3'